The following is an entry in ClinVar:

ClinVar aggregate classification (germline): Conflicting classifications of pathogenicity. Review status: criteria provided, conflicting classifications (1 of 4 stars). 3 submissions from 3 submitters: Uncertain significance (1); Likely benign (2). Last evaluated 2025-04-09.

Allele frequency attached by ClinVar (database versions not stated): gnomAD exomes 0.00001 and below 0.00001.
gnomAD v4.1: 4 of 1,613,400 alleles (0.00025%); highest among the groups gnomAD compares: Non-Finnish European, 0.00034%; no homozygotes.

Submissions (3):

Molecular Diagnostic Laboratory for Inherited Cardiovascular Disease, Montreal Heart Institute
Classification: Likely benign. Last evaluated: 2025-04-09. Review status: criteria provided, single submitter. Criteria: ACMG Guidelines, 2015. Collection method: clinical testing. Allele origin: germline. Affected: no.

Blueprint Genetics
Classification: Likely benign. Last evaluated: 2023-02-14. Review status: criteria provided, single submitter. Criteria: ACMG Guidelines, 2015. Collection method: clinical testing. Allele origin: germline.

Laboratory for Molecular Medicine, Mass General Brigham Personalized Medicine
Classification: Uncertain significance. Last evaluated: 2019-08-28. Review status: criteria provided, single submitter. Criteria: LMM Criteria. Collection method: clinical testing. Allele origin: germline. Observed: 1 variant allele.
Comment: The p.Ala11147Thr variant in TTN has not been previously reported in individuals with cardiomyopathy, but has been identified in 0.001% (1/112304) of European chromosomes by gnomAD. Computational prediction tools and conservation analyses suggest that this variant may impact the protein, though this information is not predictive enough to determine pathogenicity. In summary, the clinical significance of this variant is uncertain. ACMG/AMP criteria applied: PM2, PP3.

Literature cited by the submitters: PubMed 26735901 (cited by Laboratory for Molecular Medicine, Mass General Brigham Personalized Medicine).

NM_001267550.2(TTN):c.41143G>A (p.Ala13715Thr)

Gene: TTN (titin; minus strand). Cytogenetic location: 2q31.2.
Variant type: single nucleotide variant.
Coding change: c.41143G>A on transcript NM_001267550.2 (MANE Select); coding-DNA position 41143, G replaced by A.
Protein change: p.Ala13715Thr; replaces alanine 13715 with threonine.
Molecular consequence: missense variant.
Genome position (GRCh38, 1-based): chr2:178,636,584, C>T on the plus strand (G>A on the coding strand, the complement: TTN is on the minus strand). VCF-style: chr2-178636584-C-T. GRCh37 (hg19) VCF-style: chr2-179501311-C-T.
Other names: c.36220G>A, p.Ala12074Thr (NM_001256850.1); c.13948G>A, p.Ala4650Thr (NM_003319.4); c.33439G>A, p.Ala11147Thr (NM_133378.4); c.14323G>A, p.Ala4775Thr (NM_133432.3); c.14524G>A, p.Ala4842Thr (NM_133437.4); short protein forms A11147T, A4775T, A12074T, A4842T, A13715T, A4650T.
Identifiers: ClinVar variation 930174 (VCV000930174.6), dbSNP rs1192068092, ClinGen allele CA349661348.